The following is an entry in ClinVar:

ClinVar aggregate classification (germline): Uncertain significance (1 of 4 stars; one submission).

Allele frequency attached by ClinVar (database versions not stated): gnomAD exomes below 0.00001; ExAC 0.00003.
gnomAD v4.1: 2 of 1,580,482 alleles (0.00013%); highest among the groups gnomAD compares: Non-Finnish European, 0.000086%; no homozygotes.

Submission:

Labcorp Genetics (formerly Invitae), Labcorp
Classification: Uncertain significance. Last evaluated: 2023-06-05. Review status: criteria provided, single submitter. Criteria: Invitae Variant Classification Sherloc (09022015). Collection method: clinical testing. Allele origin: germline.
Comment: In summary, the available evidence is currently insufficient to determine the role of this variant in disease. Therefore, it has been classified as a Variant of Uncertain Significance. Algorithms developed to predict the effect of sequence changes on RNA splicing suggest that this variant may create or strengthen a splice site. Advanced modeling of protein sequence and biophysical properties (such as structural, functional, and spatial information, amino acid conservation, physicochemical variation, residue mobility, and thermodynamic stability) performed at Invitae indicates that this missense variant is not expected to disrupt COL9A3 protein function. This variant has not been reported in the literature in individuals affected with COL9A3-related conditions. The frequency data for this variant in the population databases is considered unreliable, as metrics indicate poor data quality at this position in the gnomAD database. This sequence change replaces alanine, which is neutral and non-polar, with serine, which is neutral and polar, at codon 381 of the COL9A3 protein (p.Ala381Ser).

NM_001853.4(COL9A3):c.1141G>T (p.Ala381Ser)

Gene: COL9A3 (collagen type IX alpha 3 chain; plus strand). Cytogenetic location: 20q13.33.
Variant type: single nucleotide variant.
Coding change: c.1141G>T on transcript NM_001853.4 (MANE Select); coding-DNA position 1141, G replaced by T.
Protein change: p.Ala381Ser; replaces alanine 381 with serine.
Molecular consequence: missense variant.
Genome position (GRCh38, 1-based): chr20:62,829,799, G>T. VCF-style: chr20-62829799-G-T. GRCh37 (hg19) VCF-style: chr20-61461151-G-T.
Other names: short protein forms A381S.
Identifiers: ClinVar variation 3014489 (VCV003014489.3), dbSNP rs750963827, ClinGen allele CA9949778.